The following is an entry in ClinVar:

NM_000059.4(BRCA2):c.10160C>G (p.Thr3387Ser)

Gene: BRCA2 (BRCA2 DNA repair associated; plus strand). Cytogenetic location: 13q13.1.
Variant type: single nucleotide variant.
Coding change: c.10160C>G on transcript NM_000059.4 (MANE Select); coding-DNA position 10160, C replaced by G.
Protein change: p.Thr3387Ser; replaces threonine 3387 with serine.
Molecular consequence: missense variant.
Genome position (GRCh38, 1-based): chr13:32,398,673, C>G. VCF-style: chr13-32398673-C-G. GRCh37 (hg19) VCF-style: chr13-32972810-C-G.
Other names: short protein forms T3387S.
Identifiers: ClinVar variation 216239 (VCV000216239.21), dbSNP rs863224584, ClinGen allele CA337034.

ClinVar aggregate classification (germline): Conflicting classifications of pathogenicity. Review status: criteria provided, conflicting classifications (1 of 4 stars). 6 submissions from 6 submitters: Uncertain significance (3); Likely benign (2). 1 of the submissions does not count toward it. Last evaluated 2026-01-18.

Conditions:
Hereditary cancer-predisposing syndrome. Also called: Tumor predisposition; Hereditary Cancer Syndrome; Neoplastic Syndromes, Hereditary; Hereditary neoplastic syndrome. Identifiers: Orphanet 140162, MedGen C0027672, MeSH D009386, MONDO:0015356.
Hereditary breast ovarian cancer syndrome. Also called: Hereditary breast and/or ovarian cancer syndrome; BRCA1- and BRCA2-Associated Hereditary Breast and Ovarian Cancer; Hereditary breast and ovarian cancer; Hereditary breast and ovarian cancer syndrome (HBOC); Breast and ovarian cancer; Hereditary breast and ovarian cancer syndrome. Identifiers: Orphanet 145, MedGen C0677776, MeSH D061325, MONDO:0003582. Disease mechanism: loss of function.
Breast-ovarian cancer, familial, susceptibility to, 2 (BROVCA2). Also called: BRCA2 Hereditary Breast and Ovarian Cancer. Identifiers: Orphanet 145, MedGen C2675520, MONDO:0012933, OMIM 612555. Disease mechanism: loss of function.

Allele frequency attached by ClinVar (database versions not stated): TOPMed 0.00001.
gnomAD v4.1: 1 of 1,614,174 alleles (0.000062%); highest among the groups gnomAD compares: African/African-American, 0.0013%; no homozygotes.

Submissions (6):

Labcorp Genetics (formerly Invitae), Labcorp
Classification: Uncertain significance for Hereditary breast ovarian cancer syndrome. Last evaluated: 2026-01-18. Review status: criteria provided, single submitter. Criteria: Invitae Variant Classification Sherloc (09022015). Collection method: clinical testing. Allele origin: germline.
Comment: This sequence change replaces threonine, which is neutral and polar, with serine, which is neutral and polar, at codon 3387 of the BRCA2 protein (p.Thr3387Ser). This variant is not present in population databases (gnomAD no frequency). This variant has not been reported in the literature in individuals affected with BRCA2-related conditions. ClinVar contains an entry for this variant (Variation ID: 216239). Invitae Evidence Modeling of protein sequence and biophysical properties (such as structural, functional, and spatial information, amino acid conservation, physicochemical variation, residue mobility, and thermodynamic stability) indicates that this missense variant is not expected to disrupt BRCA2 protein function with a negative predictive value of 95%. In summary, the available evidence is currently insufficient to determine the role of this variant in disease. Therefore, it has been classified as a Variant of Uncertain Significance.

Color Diagnostics, LLC DBA Color Health
Classification: Uncertain significance for Hereditary cancer-predisposing syndrome. Last evaluated: 2025-06-11. Review status: criteria provided, single submitter. Criteria: ACMG Guidelines, 2015. Collection method: clinical testing. Allele origin: germline.
Comment: This missense variant replaces threonine with serine at codon 3387 of the BRCA2 protein. Computational prediction suggests that this variant may not impact protein structure and function. To our knowledge, functional studies have not been reported for this variant. This variant has not been reported in individuals affected with BRCA2-related disorders in the literature. This variant has not been identified in the general population by the Genome Aggregation Database (gnomAD). The available evidence is insufficient to determine the role of this variant in disease conclusively. Therefore, this variant is classified as a Variant of Uncertain Significance.

Women's Health and Genetics/Laboratory Corporation of America, LabCorp
Classification: Uncertain significance. Last evaluated: 2020-11-23. Review status: criteria provided, single submitter. Criteria: LabCorp Variant Classification Summary - May 2015. Collection method: clinical testing. Allele origin: germline.
Comment: Variant summary: BRCA2 c.10160C>G (p.Thr3387Ser) results in a conservative amino acid change in the encoded protein sequence. Five of five in-silico tools predict a benign effect of the variant on protein function. The variant was absent in 251190 control chromosomes. The available data on variant occurrences in the general population are insufficient to allow any conclusion about variant significance. To our knowledge, no occurrence of c.10160C>G in individuals affected with Hereditary Breast And Ovarian Cancer Syndrome and no experimental evidence demonstrating its impact on protein function have been reported. Five clinical diagnostic laboratories have submitted clinical-significance assessments for this variant to ClinVar after 2014 without evidence for independent evaluation. Multiple laboratories reported the variant with conflicting assessments (likely benign, n=2; VUS, n=3). At-least two submitters report this variant as having co-occurred with another pathogenic variant in the BRCA2 gene, however, the exact co-occurring variant is not specified. Based on the evidence outlined above, the variant was classified as uncertain significance.

Ambry Genetics
Classification: Likely benign for Hereditary cancer-predisposing syndrome. Last evaluated: 2019-04-11. Review status: criteria provided, single submitter. Criteria: Ambry Variant Classification Scheme 2023. Collection method: clinical testing. Allele origin: germline.

GeneDx
Classification: Likely benign. Last evaluated: 2017-11-29. Review status: criteria provided, single submitter. Criteria: GeneDx Variant Classification (06012015). Collection method: clinical testing. Allele origin: germline. Affected: yes.
Comment: This variant is considered likely benign or benign based on one or more of the following criteria: it is a conservative change, it occurs at a poorly conserved position in the protein, it is predicted to be benign by multiple in silico algorithms, and/or has population frequency not consistent with disease.

Counsyl
Classification: Uncertain significance for Breast-ovarian cancer, familial, susceptibility to, 2. Last evaluated: 2017-10-05. Review status: no assertion criteria provided. Collection method: clinical testing. Allele origin: unknown. Not counted in ClinVar's aggregate classification.